The following is an entry in ClinVar:

ClinVar aggregate classification (germline): Uncertain significance (1 of 4 stars; one submission).

Conditions:
Hereditary cancer-predisposing syndrome. Also called: Hereditary Cancer Syndrome; Hereditary neoplastic syndrome; Neoplastic Syndromes, Hereditary; Tumor predisposition. Identifiers: Orphanet 140162, MedGen C0027672, MeSH D009386, MONDO:0015356.

Submission:

Ambry Genetics
Classification: Uncertain significance for Hereditary cancer-predisposing syndrome. Last evaluated: 2022-06-29. Review status: criteria provided, single submitter. Criteria: Ambry Variant Classification Scheme 2023. Collection method: clinical testing. Allele origin: germline.
Comment: The p.V142G variant (also known as c.425T>G), located in coding exon 3 of the RAD51C gene, results from a T to G substitution at nucleotide position 425. The valine at codon 142 is replaced by glycine, an amino acid with dissimilar properties. This amino acid position is conserved. In addition, this alteration is predicted to be deleterious by in silico analysis. Since supporting evidence is limited at this time, the clinical significance of this alteration remains unclear.

NM_058216.3(RAD51C):c.425T>G (p.Val142Gly)

Gene: RAD51C (RAD51 paralog C; plus strand). Cytogenetic location: 17q22.
Variant type: single nucleotide variant.
Coding change: c.425T>G on transcript NM_058216.3 (MANE Select); coding-DNA position 425, T replaced by G.
Protein change: p.Val142Gly; replaces valine 142 with glycine.
Molecular consequence: missense variant.
Genome position (GRCh38, 1-based): chr17:58,696,713, T>G. VCF-style: chr17-58696713-T-G. GRCh37 (hg19) VCF-style: chr17-56774074-T-G.
Other names: short protein forms V142G.
Identifiers: ClinVar variation 1739166 (VCV001739166.2), dbSNP rs2143744027, ClinGen allele CA400343950.
Genomic context (GRCh38, chr17:58,696,713, plus strand): 5'-ATCATCATGATTTGGTTGTTTGTCATCTTTCTGTTGACAGTATGCAGTTGGCAGTAGATG[T>G]GCAGATACCAGAATGTTTTGGAGGAGTGGCAGGTGAAGCAGTTTTTATTGATACAGAGGG-3'
Protein context (NP_478123.1, residues 132-152): TQLCMQLAVD[Val142Gly]QIPECFGGVA